The following is an entry in ClinVar:

NM_001079.4(ZAP70):c.-21-115A>C

Gene: ZAP70 (zeta chain of T cell receptor associated protein kinase 70; plus strand). Cytogenetic location: 2q11.2.
Variant type: single nucleotide variant.
Coding change: c.-21-115A>C on transcript NM_001079.4 (MANE Select); 115 bases into the intron before 21 bases upstream of the start codon, A replaced by C.
Molecular consequence: intron variant.
Genome position (GRCh38, 1-based): chr2:97,723,901, A>C. VCF-style: chr2-97723901-A-C. GRCh37 (hg19) VCF-style: chr2-98340364-A-C.
Other names: c.-21-115A>C (NM_001378594.1).
Identifiers: ClinVar variation 1229846 (VCV001229846.6), dbSNP rs6712517, ClinGen allele CA11253805.
Genomic context (GRCh38, chr2:97,723,901, plus strand): 5'-GCAGGCTGCGGCTTCTCTCCAGGTTGACTCTGGCACAGAGCAGGCTCTGCCCCCTTGGCG[A>C]GCTCAGTCTGCGGCACTGATGCCCTCCACTTGGCGTCTCTCGCGCCGTCTTTGGGCCCAA-3'

ClinVar aggregate classification (germline): Benign. Review status: criteria provided, multiple submitters, no conflicts (2 of 4 stars). 3 submissions from 3 submitters: Benign (3). Last evaluated 2023-11-12.

Allele frequency attached by ClinVar (database versions not stated): 1000 Genomes Project 30x 0.66099; 1000 Genomes Project 0.64976; gnomAD 0.76892 and 0.79026; TOPMed 0.78313.
gnomAD v4.1: 861,649 of 1,185,398 alleles (73%); highest among the groups gnomAD compares: African/African-American, 92%; 321,744 homozygotes.

Submissions (3):

Unidad de Genómica Garrahan, Hospital de Pediatría Garrahan
Classification: Benign. Last evaluated: 2023-11-12. Review status: criteria provided, single submitter. Criteria: ACMG Guidelines, 2015. Collection method: clinical testing. Allele origin: germline. Affected: no. Observed: 68 variant alleles.
Comment: This variant is classified as Benign based on local population frequency. This variant was detected in 71% of patients studied by a panel of primary immunodeficiencies. Number of patients: 68. Only high quality variants are reported.

GeneDx
Classification: Benign. Last evaluated: 2018-06-23. Review status: criteria provided, single submitter. Criteria: GeneDx Variant Classification Process June 2021. Collection method: clinical testing. Allele origin: germline. Affected: yes.

Breakthrough Genomics
Classification: Benign. Review status: criteria provided, single submitter. Criteria: ACMG Guidelines, 2015. Collection method: not provided. Allele origin: germline. Inheritance: Autosomal recessive inheritance. Affected: yes.